The following is an entry in ClinVar:

NM_031308.4(EPPK1):c.6177G>A (p.Thr2059=)

Gene: EPPK1 (epiplakin 1; minus strand). Cytogenetic location: 8q24.3.
Variant type: single nucleotide variant.
Coding change: c.6177G>A on transcript NM_031308.4 (MANE Select); coding-DNA position 6177, G replaced by A.
Protein change: p.Thr2059=; no amino-acid change (threonine 2059 retained).
Molecular consequence: synonymous variant.
Genome position (GRCh38, 1-based): chr8:143,867,077, C>T on the plus strand (G>A on the coding strand, the complement: EPPK1 is on the minus strand). VCF-style: chr8-143867077-C-T. GRCh37 (hg19) VCF-style: chr8-144941245-C-T.
Identifiers: ClinVar variation 3052803 (VCV003052803.2), dbSNP rs373733680, ClinGen allele CA4921881.
Genomic context (GRCh38, chr8:143,867,077, plus strand): 5'-GCCCGTGTCCTCTTGTGGGCGGCACCTCTCCTGCAGCTCTCGGTACGAGACCTTCTCTTG[C>T]GTGTTCGGGTCCACAAACCGTTTCCTCATGTGCTTCTGGTCGGAAATGAGCGCATAGATG-3'
Protein context (NP_112598.3, residues 2049-2069): HMRKRFVDPN[Thr2059=]QEKVSYRELQ

ClinVar aggregate classification (germline): Likely benign (0 of 4 stars; one submission).

Conditions:
EPPK1-related disorder. Also called: EPPK1-related condition.

Allele frequency attached by ClinVar (database versions not stated): gnomAD 0.00007; ESP Exome Variant Server 0.00008.
gnomAD v4.1: 62 of 1,612,844 alleles (0.0038%); highest among the groups gnomAD compares: Middle Eastern, 0.016%; no homozygotes.

Submission:

PreventionGenetics, part of Exact Sciences
Classification: Likely benign for EPPK1-related condition. Last evaluated: 2022-03-18. Review status: no assertion criteria provided. Collection method: clinical testing. Allele origin: germline.
Comment: This variant is classified as likely benign based on ACMG/AMP sequence variant interpretation guidelines (Richards et al. 2015 PMID: 25741868, with internal and published modifications).